The following is an entry in ClinVar:

NM_000419.5(ITGA2B):c.1297C>T (p.Arg433Cys)

Gene: ITGA2B (integrin subunit alpha 2b; minus strand). Cytogenetic location: 17q21.31.
Variant type: single nucleotide variant.
Coding change: c.1297C>T on transcript NM_000419.5 (MANE Select); coding-DNA position 1297, C replaced by T.
Protein change: p.Arg433Cys; replaces arginine 433 with cysteine.
Molecular consequence: missense variant.
Genome position (GRCh38, 1-based): chr17:44,380,975, G>A on the plus strand (C>T on the coding strand, the complement: ITGA2B is on the minus strand). VCF-style: chr17-44380975-G-A. GRCh37 (hg19) VCF-style: chr17-42458343-G-A.
Other names: short protein forms R433C.
Identifiers: ClinVar variation 2601475 (VCV002601475.5), dbSNP rs532414080, ClinGen allele CA8603170.

ClinVar aggregate classification (germline): Uncertain significance. Review status: criteria provided, multiple submitters, no conflicts (2 of 4 stars). 2 submissions from 2 submitters: Uncertain significance (2). Last evaluated 2023-12-31.

Conditions:
Inborn genetic diseases. Identifiers: MedGen C0950123, MeSH D030342.
Glanzmann thrombasthenia. Also called: BLEEDING DISORDER, PLATELET-TYPE, 2; THROMBASTHENIA OF GLANZMANN AND NAEGELI; PLATELET GLYCOPROTEIN IIb-IIIa DEFICIENCY; Thrombasthenia; Glanzmann's thrombasthenia. Identifiers: Orphanet 849, MedGen C0040015, MONDO:0100326.

Allele frequency attached by ClinVar (database versions not stated): TOPMed 0.00001; gnomAD 0.00004; gnomAD exomes 0.00006; ExAC 0.00007.

Submissions (2):

Labcorp Genetics (formerly Invitae), Labcorp
Classification: Uncertain significance for Glanzmann thrombasthenia. Last evaluated: 2023-12-31. Review status: criteria provided, single submitter. Criteria: Invitae Variant Classification Sherloc (09022015). Collection method: clinical testing. Allele origin: germline.
Comment: This sequence change replaces arginine, which is basic and polar, with cysteine, which is neutral and slightly polar, at codon 433 of the ITGA2B protein (p.Arg433Cys). This variant is present in population databases (rs532414080, gnomAD 0.05%). This variant has not been reported in the literature in individuals affected with ITGA2B-related conditions. ClinVar contains an entry for this variant (Variation ID: 2601475). Advanced modeling of protein sequence and biophysical properties (such as structural, functional, and spatial information, amino acid conservation, physicochemical variation, residue mobility, and thermodynamic stability) performed at Invitae indicates that this missense variant is not expected to disrupt ITGA2B protein function with a negative predictive value of 80%. In summary, the available evidence is currently insufficient to determine the role of this variant in disease. Therefore, it has been classified as a Variant of Uncertain Significance.

Ambry Genetics
Classification: Uncertain significance for Inborn genetic diseases. Last evaluated: 2023-08-15. Review status: criteria provided, single submitter. Criteria: Ambry Variant Classification Scheme 2023. Collection method: clinical testing. Allele origin: germline.